The following is an entry in ClinVar:

ClinVar aggregate classification (germline): Benign. Review status: criteria provided, multiple submitters, no conflicts (2 of 4 stars). 9 submissions from 9 submitters: Benign (8). 1 of the submissions does not count toward it. Last evaluated 2026-02-03.

Conditions:
Familial sleep-related hypermotor epilepsy. Also called: Autosomal Dominant Sleep-Related Hypermotor (Hyperkinetic) Epilepsy. Identifiers: Orphanet 98784, MedGen C3696898, MONDO:0000030.
Inborn genetic diseases. Identifiers: MedGen C0950123, MeSH D030342.
Autosomal dominant nocturnal frontal lobe epilepsy 1. Also called: EPILEPSY, NOCTURNAL FRONTAL LOBE, TYPE 1; CHRNA4-Related Nocturnal Frontal Lobe Epilepsy, Autosomal Dominant. Identifiers: Orphanet 98784, MedGen C1838049, MONDO:0010899, OMIM 600513.

Allele frequency attached by ClinVar (database versions not stated): gnomAD 0.05992 and 0.05876; gnomAD exomes 0.06049; 1000 Genomes Project 30x 0.03029; TOPMed 0.05279; ExAC 0.05929; 1000 Genomes Project 0.02736.
gnomAD v4.1: 114,801 of 1,477,178 alleles (7.8%); highest among the groups gnomAD compares: Non-Finnish European, 8.8%; 4,862 homozygotes.

Submissions (9):

Labcorp Genetics (formerly Invitae), Labcorp
Classification: Benign. Last evaluated: 2026-02-03. Review status: criteria provided, single submitter. Criteria: Invitae Variant Classification Sherloc (09022015). Collection method: clinical testing. Allele origin: germline.

Mayo Clinic Laboratories, Mayo Clinic
Classification: Benign. Last evaluated: 2018-08-07. Review status: criteria provided, single submitter. Criteria: ACMG Guidelines, 2015. Collection method: clinical testing. Allele origin: germline. Observed: 61 variant alleles.

Athena Diagnostics
Classification: Benign for Autosomal dominant nocturnal frontal lobe epilepsy 1. Last evaluated: 2017-04-11. Review status: criteria provided, single submitter. Criteria: Athena Diagnostics Criteria. Collection method: clinical testing. Allele origin: germline.

Eurofins Ntd Llc (ga)
Classification: Benign. Last evaluated: 2017-03-09. Review status: criteria provided, single submitter. Criteria: EGL Classification Definitions 2015. Collection method: clinical testing. Allele origin: germline. Observed: 40 variant alleles, 39 heterozygotes, 1 hemizygote.

Ambry Genetics
Classification: Benign for Inborn genetic diseases. Last evaluated: 2016-02-22. Review status: criteria provided, single submitter. Criteria: Ambry Variant Classification Scheme 2023. Collection method: clinical testing. Allele origin: germline.

GeneDx
Classification: Benign. Last evaluated: 2015-03-03. Review status: criteria provided, single submitter. Criteria: GeneDx Variant Classification Process June 2021. Collection method: clinical testing. Allele origin: germline. Affected: yes.

Breakthrough Genomics
Classification: Benign. Review status: criteria provided, single submitter. Criteria: ACMG Guidelines, 2015. Collection method: not provided. Allele origin: germline. Inheritance: Autosomal dominant inheritance. Affected: yes.

PreventionGenetics, part of Exact Sciences
Classification: Benign. Review status: criteria provided, single submitter. Criteria: ACMG Guidelines, 2015. Collection method: clinical testing. Allele origin: germline.

Genetic Services Laboratory, University of Chicago
Classification: Likely benign for AllHighlyPenetrant. Review status: no assertion criteria provided. Collection method: clinical testing. Allele origin: germline. Inheritance: Autosomal dominant inheritance. Not counted in ClinVar's aggregate classification.
Comment: Likely benign based on allele frequency in 1000 Genomes Project or ESP global frequency and its presence in a patient with a rare or unrelated disease phenotype. NOT Sanger confirmed.

NM_000744.7(CHRNA4):c.51G>A (p.Leu17=)

Genes: CHRNA4 (cholinergic receptor nicotinic alpha 4 subunit; minus strand), LOC100130587 (uncharacterized LOC100130587; plus strand). Cytogenetic location: 20q13.33.
Variant type: single nucleotide variant.
Coding change: c.51G>A on transcript NM_000744.7 (MANE Select); coding-DNA position 51, G replaced by A.
Protein change: p.Leu17=; no amino-acid change (leucine 17 retained).
Molecular consequence: synonymous variant. On other transcripts: non-coding transcript variant (1), intron variant (1).
Genome position (GRCh38, 1-based): chr20:63,361,115, C>T on the plus strand (G>A on the coding strand, the complement: CHRNA4 is on the minus strand). VCF-style: chr20-63361115-C-T. GRCh37 (hg19) VCF-style: chr20-61992467-C-T.
Other names: p.Leu17=; c.-471+62G>A (NM_001256573.2).
Identifiers: ClinVar variation 93430 (VCV000093430.27), dbSNP rs79739740, ClinGen allele CA146970.